The following is an entry in ClinVar:

ClinVar aggregate classification (germline): Likely benign. Review status: criteria provided, multiple submitters, no conflicts (2 of 4 stars). 2 submissions from 2 submitters: Likely benign (2). Last evaluated 2023-12-09.

Conditions:
Charcot-Marie-Tooth disease type 2. Also called: Charcot-Marie-Tooth type 2. Identifiers: Orphanet 64746, MedGen C0270914, MONDO:0018993.

Submissions (2):

Labcorp Genetics (formerly Invitae), Labcorp
Classification: Likely benign for Charcot-Marie-Tooth disease type 2. Last evaluated: 2023-12-09. Review status: criteria provided, single submitter. Criteria: Invitae Variant Classification Sherloc (09022015). Collection method: clinical testing. Allele origin: germline.

GeneDx
Classification: Likely benign. Last evaluated: 2016-05-31. Review status: criteria provided, single submitter. Criteria: GeneDx Variant Classification (06012015). Collection method: clinical testing. Allele origin: germline. Affected: yes.
Comment: This variant is considered likely benign or benign based on one or more of the following criteria: it is a conservative change, it occurs at a poorly conserved position in the protein, it is predicted to be benign by multiple in silico algorithms, and/or has population frequency not consistent with disease.

NM_170707.4(LMNA):c.1609-9C>T

Gene: LMNA (lamin A/C; plus strand). Cytogenetic location: 1q22.
Variant type: single nucleotide variant.
Coding change: c.1609-9C>T on transcript NM_170707.4 (MANE Select); 9 bases into the intron before coding-DNA position 1609, C replaced by T.
Molecular consequence: intron variant.
Genome position (GRCh38, 1-based): chr1:156,137,645, C>T. VCF-style: chr1-156137645-C-T. GRCh37 (hg19) VCF-style: chr1-156107436-C-T.
Other names: c.1609-9C>T (NM_001282625.2, NM_001282626.2, NM_005572.4); c.1608+413C>T (NM_170708.4); c.1273-9C>T (NM_001257374.3); c.1366-9C>T (NM_001282624.2).
Identifiers: ClinVar variation 386641 (VCV000386641.5), dbSNP rs1057522558, ClinGen allele CA077688.